The following is an entry in ClinVar:

ClinVar aggregate classification (germline): Uncertain significance (1 of 4 stars; one submission).

Allele frequency attached by ClinVar (database versions not stated): TOPMed below 0.00001.
gnomAD v4.1: 3 of 1,614,206 alleles (0.00019%); highest among the groups gnomAD compares: Admixed American, 0.0017%; no homozygotes.

Submission:

Labcorp Genetics (formerly Invitae), Labcorp
Classification: Uncertain significance. Last evaluated: 2023-10-08. Review status: criteria provided, single submitter. Criteria: Invitae Variant Classification Sherloc (09022015). Collection method: clinical testing. Allele origin: germline.
Comment: This sequence change replaces alanine, which is neutral and non-polar, with serine, which is neutral and polar, at codon 840 of the CLCN6 protein (p.Ala840Ser). This variant is present in population databases (rs375970486, gnomAD 0.002%). This variant has not been reported in the literature in individuals affected with CLCN6-related conditions. ClinVar contains an entry for this variant (Variation ID: 1913222). An algorithm developed to predict the effect of missense changes on protein structure and function (PolyPhen-2) suggests that this variant is likely to be tolerated. In summary, the available evidence is currently insufficient to determine the role of this variant in disease. Therefore, it has been classified as a Variant of Uncertain Significance.

NM_001286.5(CLCN6):c.2518G>T (p.Ala840Ser)

Genes: CLCN6 (chloride voltage-gated channel 6; plus strand), LOC129929417 (ATAC-STARR-seq lymphoblastoid active region 178; plus strand). Cytogenetic location: 1p36.22.
Variant type: single nucleotide variant.
Coding change: c.2518G>T on transcript NM_001286.5 (MANE Select); coding-DNA position 2518, G replaced by T.
Protein change: p.Ala840Ser; replaces alanine 840 with serine.
Molecular consequence: missense variant. On other transcripts: non-coding transcript variant (1).
Genome position (GRCh38, 1-based): chr1:11,838,649, G>T. VCF-style: chr1-11838649-G-T. GRCh37 (hg19) VCF-style: chr1-11898706-G-T.
Other names: c.2452G>T, p.Ala818Ser (NM_001256959.2); short protein forms A818S, A840S.
Identifiers: ClinVar variation 1913222 (VCV001913222.5), dbSNP rs375970486, ClinGen allele CA596877.